The following is an entry in ClinVar:

NM_020919.4(ALS2):c.4069G>A (p.Val1357Ile)

Gene: ALS2 (alsin Rho guanine nucleotide exchange factor ALS2; minus strand). Cytogenetic location: 2q33.1.
Variant type: single nucleotide variant.
Coding change: c.4069G>A on transcript NM_020919.4 (MANE Select); coding-DNA position 4069, G replaced by A.
Protein change: p.Val1357Ile; replaces valine 1357 with isoleucine.
Molecular consequence: missense variant.
Genome position (GRCh38, 1-based): chr2:201,711,044, C>T on the plus strand (G>A on the coding strand, the complement: ALS2 is on the minus strand). VCF-style: chr2-201711044-C-T. GRCh37 (hg19) VCF-style: chr2-202575767-C-T.
Other names: short protein forms V1357I.
Identifiers: ClinVar variation 1328579 (VCV001328579.3), dbSNP rs780988389, ClinGen allele CA2057676.

ClinVar aggregate classification (germline): Uncertain significance. Review status: criteria provided, single submitter (1 of 4 stars). 2 submissions from 2 submitters: Uncertain significance (1). 1 of the submissions does not count toward it. Last evaluated 2021-06-14.

Conditions:
ALS2-related disorder. Also called: ALS2-Related Spectrum Disorders; ALS2-related disorders; ALS2-related condition. Identifiers: MedGen CN169291.

Allele frequency attached by ClinVar (database versions not stated): ExAC 0.00001; gnomAD exomes 0.00001.
gnomAD v4.1: 21 of 1,613,082 alleles (0.0013%); highest among the groups gnomAD compares: Non-Finnish European, 0.0014%; no homozygotes.

Submissions (2):

GeneDx
Classification: Uncertain significance. Last evaluated: 2021-06-14. Review status: criteria provided, single submitter. Criteria: GeneDx Variant Classification Process June 2021. Collection method: clinical testing. Allele origin: germline. Affected: yes.

PreventionGenetics, part of Exact Sciences
Classification: Uncertain significance for ALS2-related condition. Last evaluated: 2024-07-25. Review status: no assertion criteria provided. Collection method: clinical testing. Allele origin: germline. Not counted in ClinVar's aggregate classification.
Comment: The ALS2 c.4069G>A variant is predicted to result in the amino acid substitution p.Val1357Ile. To our knowledge, this variant has not been reported in the literature. This variant is reported in 0.0018% of alleles in individuals of European (Non-Finnish) descent in gnomAD. At this time, the clinical significance of this variant is uncertain due to the absence of conclusive functional and genetic evidence.